The following is an entry in ClinVar:

ClinVar aggregate classification (germline): Uncertain significance (1 of 4 stars; one submission).

Submission:

Center for Pediatric Genomic Medicine, Children's Mercy Hospital and Clinics
Classification: Uncertain significance. Last evaluated: 2016-07-12. Review status: criteria provided, single submitter. Criteria: ACMG Guidelines, 2015. Collection method: clinical testing. Allele origin: germline.
ClinVar note: Converted during submission from Uncertain Significance to Uncertain significance.

NC_012920.1(MT-ATP6):m.8816A>G

Gene: MT-ATP6 (mitochondrially encoded ATP synthase 6; plus strand).
Variant type: single nucleotide variant.
Genome position: chrM-8816-A-G.
Identifiers: ClinVar variation 376981 (VCV000376981.3), dbSNP rs1057520102, ClinGen allele CA16603225.